The following is an entry in ClinVar:

NM_006885.4(ZFHX3):c.10778C>G (p.Ser3593Ter)

Genes: ZFHX3-AS1 (ZFHX3 antisense RNA 1; plus strand), ZFHX3 (zinc finger homeobox 3; minus strand). Cytogenetic location: 16q22.2.
Variant type: single nucleotide variant.
Coding change: c.10778C>G on transcript NM_006885.4 (MANE Select); coding-DNA position 10778, C replaced by G.
Protein change: p.Ser3593Ter; replaces serine 3593 with a stop codon.
Molecular consequence: nonsense. On other transcripts: non-coding transcript variant (1).
Genome position (GRCh38, 1-based): chr16:72,787,498, G>C on the plus strand (C>G on the coding strand, the complement: ZFHX3 is on the minus strand). VCF-style: chr16-72787498-G-C. GRCh37 (hg19) VCF-style: chr16-72821397-G-C.
Other names: c.8036C>G, p.Ser2679Ter (NM_001164766.2); c.10778C>G, p.Ser3593Ter (NM_001386735.1); short protein forms S2679*, S3593*.
Identifiers: ClinVar variation 4536289 (VCV004536289.1).

ClinVar aggregate classification (germline): Likely pathogenic (1 of 4 stars; one submission).

gnomAD v4.1: 3 of 1,613,612 alleles (0.00019%); highest among the groups gnomAD compares: Admixed American, 0.0017%; no homozygotes.

Submission:

GeneDx
Classification: Likely pathogenic. Last evaluated: 2025-06-02. Review status: criteria provided, single submitter. Criteria: GeneDx Variant Classification Process June 2021. Collection method: clinical testing. Allele origin: germline. Affected: yes.
Comment: Nonsense variant predicted to result in protein truncation, as the last 111 amino acid(s) are lost, and other loss-of-function variants have been reported downstream in HGMD as DM? and at GeneDx; Not observed at significant frequency in large population cohorts (gnomAD); Has not been previously published as pathogenic or benign to our knowledge